The following is an entry in ClinVar:

NM_000059.4(BRCA2):c.592T>G (p.Leu198Val)

Gene: BRCA2 (BRCA2 DNA repair associated; plus strand). Cytogenetic location: 13q13.1.
Variant type: single nucleotide variant.
Coding change: c.592T>G on transcript NM_000059.4 (MANE Select); coding-DNA position 592, T replaced by G.
Protein change: p.Leu198Val; replaces leucine 198 with valine.
Molecular consequence: missense variant.
Genome position (GRCh38, 1-based): chr13:32,326,574, T>G. VCF-style: chr13-32326574-T-G. GRCh37 (hg19) VCF-style: chr13-32900711-T-G.
Other names: c.592T>G, p.Leu198Val (NM_001406719.1, NM_001406720.1, NM_001406721.1); c.223T>G, p.Leu75Val (NM_001406722.1); short protein forms L198V, L75V.
Identifiers: ClinVar variation 2118659 (VCV002118659.4), dbSNP rs2137452659, ClinGen allele CA387758151.
Genomic context (GRCh38, chr13:32,326,574, plus strand): 5'-AAACATATTTCTGAAAGTCTAGGAGCTGAGGTGGATCCTGATATGTCTTGGTCAAGTTCT[T>G]TAGCTACACCACCCACCCTTAGTTCTACTGTGCTCATAGGTAATAATAGCAAATGTGTAT-3'
Protein context (NP_000050.3, residues 188-208): VDPDMSWSSS[Leu198Val]ATPPTLSSTV

ClinVar aggregate classification (germline): Uncertain significance (1 of 4 stars; one submission).

Conditions:
Hereditary breast ovarian cancer syndrome. Also called: Hereditary breast and ovarian cancer syndrome (HBOC); Hereditary breast and/or ovarian cancer syndrome; Hereditary breast and ovarian cancer; BRCA1- and BRCA2-Associated Hereditary Breast and Ovarian Cancer; Breast and ovarian cancer; Hereditary breast and ovarian cancer syndrome. Identifiers: Orphanet 145, MedGen C0677776, MeSH D061325, MONDO:0003582. Disease mechanism: loss of function.

Submission:

Labcorp Genetics (formerly Invitae), Labcorp
Classification: Uncertain significance for Hereditary breast ovarian cancer syndrome. Last evaluated: 2022-05-07. Review status: criteria provided, single submitter. Criteria: Invitae Variant Classification Sherloc (09022015). Collection method: clinical testing. Allele origin: germline.
Comment: In summary, the available evidence is currently insufficient to determine the role of this variant in disease. Therefore, it has been classified as a Variant of Uncertain Significance. Advanced modeling of protein sequence and biophysical properties (such as structural, functional, and spatial information, amino acid conservation, physicochemical variation, residue mobility, and thermodynamic stability) performed at Invitae indicates that this missense variant is not expected to disrupt BRCA2 protein function. This variant has not been reported in the literature in individuals affected with BRCA2-related conditions. This variant is not present in population databases (gnomAD no frequency). This sequence change replaces leucine, which is neutral and non-polar, with valine, which is neutral and non-polar, at codon 198 of the BRCA2 protein (p.Leu198Val).